The following is an entry in ClinVar:

ClinVar aggregate classification (germline): Uncertain significance (1 of 4 stars; one submission).

Conditions:
Emery-Dreifuss muscular dystrophy (EDMD). Also called: Scapuloperoneal syndrome, X-linked (formerly); Humeroperoneal neuromuscular disease, (formerly). Identifiers: Orphanet 261, MedGen C0410189, MONDO:0016830.

gnomAD v4.1: 1 of 1,614,004 alleles (0.000062%); highest among the groups gnomAD compares: African/African-American, 0.0013%; no homozygotes.

Submission:

Labcorp Genetics (formerly Invitae), Labcorp
Classification: Uncertain significance for Emery-Dreifuss muscular dystrophy. Last evaluated: 2025-11-19. Review status: criteria provided, single submitter. Criteria: Invitae Variant Classification Sherloc (09022015). Collection method: clinical testing. Allele origin: germline.
Comment: This sequence change replaces valine, which is neutral and non-polar, with alanine, which is neutral and non-polar, at codon 657 of the SUN1 protein (p.Val657Ala). This variant is not present in population databases (gnomAD no frequency). This variant has not been reported in the literature in individuals affected with SUN1-related conditions. An algorithm developed to predict the effect of missense changes on protein structure and function (PolyPhen-2) suggests that this variant is likely to be disruptive. In summary, the available evidence is currently insufficient to determine the role of this variant in disease. Therefore, it has been classified as a Variant of Uncertain Significance.

NM_001130965.3(SUN1):c.1970T>C (p.Val657Ala)

Gene: SUN1 (Sad1 and UNC84 domain containing 1; plus strand). Cytogenetic location: 7p22.3.
Variant type: single nucleotide variant.
Coding change: c.1970T>C on transcript NM_001130965.3 (MANE Select); coding-DNA position 1970, T replaced by C.
Protein change: p.Val657Ala; replaces valine 657 with alanine.
Molecular consequence: missense variant. On other transcripts: non-coding transcript variant (3).
Genome position (GRCh38, 1-based): chr7:866,057, T>C. VCF-style: chr7-866057-T-C. GRCh37 (hg19) VCF-style: chr7-905694-T-C.
Other names: c.1661T>C, p.Val554Ala (NM_001171944.2); c.1970T>C, p.Val657Ala (NM_001367633.1, NM_001367634.1, NM_001367653.1); c.1619T>C, p.Val540Ala (NM_001367635.1); c.2210T>C, p.Val737Ala (NM_001367636.1, NM_001367691.1); c.2078T>C, p.Val693Ala (NM_001367638.1); c.1511T>C, p.Val504Ala (NM_001367639.1); c.2150T>C, p.Val717Ala (NM_001367640.1); c.2252T>C, p.Val751Ala (NM_001367641.1, NM_001367682.1); and 43 more; short protein forms V574A, V606A, V611A, V624A, V644A, V646A, V652A, V656A.
Identifiers: ClinVar variation 4741342 (VCV004741342.1).